The following is an entry in ClinVar:

ClinVar aggregate classification (germline): Uncertain significance. Review status: criteria provided, multiple submitters, no conflicts (2 of 4 stars). 2 submissions from 2 submitters: Uncertain significance (2). Last evaluated 2024-08-12.

Allele frequency attached by ClinVar (database versions not stated): gnomAD 0.00001.
gnomAD v4.1: 25 of 1,614,184 alleles (0.0015%); highest among the groups gnomAD compares: East Asian, 0.0022%; no homozygotes.

Submissions (2):

Women's Health and Genetics/Laboratory Corporation of America, LabCorp
Classification: Uncertain significance. Last evaluated: 2024-08-12. Review status: criteria provided, single submitter. Criteria: LabCorp Variant Classification Summary - May 2015. Collection method: clinical testing. Allele origin: germline.
Comment: Variant summary: DUOX2 c.3382C>T (p.Arg1128Cys) results in a non-conservative amino acid change located in the Ferric reductase transmembrane component-like domain of the encoded protein sequence. Five of five in-silico tools predict a damaging effect of the variant on protein function. The variant allele was found at a frequency of 1.6e-05 in 251476 control chromosomes. The available data on variant occurrences in the general population are insufficient to allow any conclusion about variant significance. c.3382C>T has been reported in the literature in one individual affected with transient congenital hypothyroidism. These report(s) do not provide unequivocal conclusions about association of the variant with Thyroid Dyshormonogenesis 6. To our knowledge, no experimental evidence demonstrating an impact on protein function has been reported. ClinVar contains an entry for this variant (Variation ID: 1362250). Based on the evidence outlined above, the variant was classified as uncertain significance.

Labcorp Genetics (formerly Invitae), Labcorp
Classification: Uncertain significance. Last evaluated: 2022-09-23. Review status: criteria provided, single submitter. Criteria: Invitae Variant Classification Sherloc (09022015). Collection method: clinical testing. Allele origin: germline.
Comment: This sequence change replaces arginine, which is basic and polar, with cysteine, which is neutral and slightly polar, at codon 1128 of the DUOX2 protein (p.Arg1128Cys). This variant is present in population databases (rs559663716, gnomAD 0.004%). This variant has not been reported in the literature in individuals affected with DUOX2-related conditions. ClinVar contains an entry for this variant (Variation ID: 1362250). Advanced modeling of protein sequence and biophysical properties (such as structural, functional, and spatial information, amino acid conservation, physicochemical variation, residue mobility, and thermodynamic stability) performed at Invitae indicates that this missense variant is expected to disrupt DUOX2 protein function. In summary, the available evidence is currently insufficient to determine the role of this variant in disease. Therefore, it has been classified as a Variant of Uncertain Significance.

Literature cited by the submitters: PubMed 37390946 (cited by Women's Health and Genetics/Laboratory Corporation of America, LabCorp).

NM_001363711.2(DUOX2):c.3382C>T (p.Arg1128Cys)

Gene: DUOX2 (dual oxidase 2; minus strand). Cytogenetic location: 15q21.1.
Variant type: single nucleotide variant.
Coding change: c.3382C>T on transcript NM_001363711.2 (MANE Select); coding-DNA position 3382, C replaced by T.
Protein change: p.Arg1128Cys; replaces arginine 1128 with cysteine.
Molecular consequence: missense variant.
Genome position (GRCh38, 1-based): chr15:45,099,695, G>A on the plus strand (C>T on the coding strand, the complement: DUOX2 is on the minus strand). VCF-style: chr15-45099695-G-A. GRCh37 (hg19) VCF-style: chr15-45391893-G-A.
Other names: c.3382C>T, p.Arg1128Cys (NM_014080.5); short protein forms R1128C.
Identifiers: ClinVar variation 1362250 (VCV001362250.6), dbSNP rs559663716, ClinGen allele CA7537897.